The following is an entry in ClinVar:

NM_058216.3(RAD51C):c.241_245delinsG (p.Ser81fs)

Gene: RAD51C (RAD51 paralog C; plus strand). Cytogenetic location: 17q22.
Variant type: Indel.
Coding change: c.241_245delinsG on transcript NM_058216.3 (MANE Select); coding-DNA positions 241 to 245, TCACA replaced by G.
Protein change: p.Ser81fs; shifts the reading frame from serine 81.
Molecular consequence: frameshift variant. On other transcripts: non-coding transcript variant (2).
Genome position (GRCh38, 1-based): chr17:58,695,026-58,695,030, TCACA replaced by G. VCF-style: chr17-58695026-TCACA-G. GRCh37 (hg19) VCF-style: chr17-56772387-TCACA-G.
Other names: c.241_245delinsG, p.Ser81fs (NM_002876.4); c.241_245delTCACAinsG, p.Ser81Alafs (NM_058217.1); short protein forms S81fs.
Identifiers: ClinVar variation 1790881 (VCV001790881.3), dbSNP rs2509274419, ClinGen allele CA2580094365.

ClinVar aggregate classification (germline): Pathogenic. Review status: criteria provided, multiple submitters, no conflicts (2 of 4 stars). 2 submissions from 2 submitters: Pathogenic (2). Last evaluated 2024-10-01.

Conditions:
Hereditary cancer-predisposing syndrome. Also called: Hereditary Cancer Syndrome; Hereditary neoplastic syndrome; Tumor predisposition; Neoplastic Syndromes, Hereditary. Identifiers: Orphanet 140162, MedGen C0027672, MeSH D009386, MONDO:0015356.
Breast-ovarian cancer, familial, susceptibility to, 3. Also called: RAD51C-Related Breast/Ovarian Cancer. Identifiers: Orphanet 145, MedGen C3150659, MONDO:0013253, OMIM 613399.

Submissions (2):

Myriad Genetics, Inc.
Classification: Pathogenic for Breast-ovarian cancer, familial, susceptibility to, 3. Last evaluated: 2024-10-01. Review status: criteria provided, single submitter. Criteria: Myriad Autosomal Dominant, Autosomal Recessive and X-Linked Classification Criteria (2023). Collection method: clinical testing. Allele origin: unknown.
Comment: This variant is considered pathogenic. This variant creates a frameshift predicted to result in premature protein truncation.

Ambry Genetics
Classification: Pathogenic for Hereditary cancer-predisposing syndrome. Last evaluated: 2015-12-15. Review status: criteria provided, single submitter. Criteria: Ambry Variant Classification Scheme 2023. Collection method: clinical testing. Allele origin: germline.
Comment: The c.241_245delTCACAinsG pathogenic mutation, located in coding exon 2 of the RAD51C gene, results from the deletion of 5 nucleotides and insertion of one nucleotide causing a translational frameshift with a predicted alternate stop codon. Since frameshifts are typically deleterious in nature, this alteration is interpreted as a disease-causing mutation (ACMG Recommendations for Standards for Interpretation and Reporting of Sequence Variations. Revision 2007. Genet Med. 2008;10:294).